The following is an entry in ClinVar:

ClinVar aggregate classification (germline): Uncertain significance (1 of 4 stars; one submission).

Conditions:
SEMA3G-related disorder. Also called: SEMA3G-related condition.

Allele frequency attached by ClinVar (database versions not stated): ExAC 0.00001; gnomAD exomes 0.00001; TOPMed 0.00003.
gnomAD v4.1: 7 of 1,613,566 alleles (0.00043%); highest among the groups gnomAD compares: Admixed American, 0.012%; no homozygotes.

Submission:

PreventionGenetics, part of Exact Sciences
Classification: Uncertain significance for SEMA3G-related condition. Last evaluated: 2025-12-26. Review status: criteria provided, single submitter. Criteria: ACMG Guidelines, 2015. Collection method: clinical testing. Allele origin: germline.
Comment: The SEMA3G c.789C>G variant is not predicted to result in an amino acid change (p.=). This variant is predicted to alter splicing based on available splicing prediction programs (SpliceAI, Jaganathan et al. 2019. PubMed ID: 30661751). However, the use of computer prediction programs is not equivalent to functional evidence. To our knowledge, this variant has not been reported in the literature. This variant is reported in 0.014% of alleles in individuals of Latino descent in gnomAD. At this time, the clinical significance of this variant is uncertain due to the absence of conclusive functional and genetic evidence.

NM_020163.3(SEMA3G):c.789C>G (p.Val263=)

Gene: SEMA3G (semaphorin 3G; minus strand). Cytogenetic location: 3p21.1.
Variant type: single nucleotide variant.
Coding change: c.789C>G on transcript NM_020163.3 (MANE Select); coding-DNA position 789, C replaced by G.
Protein change: p.Val263=; no amino-acid change (valine 263 retained).
Molecular consequence: synonymous variant.
Genome position (GRCh38, 1-based): chr3:52,441,288, G>C on the plus strand (C>G on the coding strand, the complement: SEMA3G is on the minus strand). VCF-style: chr3-52441288-G-C. GRCh37 (hg19) VCF-style: chr3-52475304-G-C.
Identifiers: ClinVar variation 2631841 (VCV002631841.3), dbSNP rs757281972, ClinGen allele CA2438217.